The following is an entry in ClinVar:

NM_174936.4(PCSK9):c.1853C>G (p.Pro618Arg)

Gene: PCSK9 (proprotein convertase subtilisin/kexin type 9; plus strand). Cytogenetic location: 1p32.3.
Variant type: single nucleotide variant.
Coding change: c.1853C>G on transcript NM_174936.4 (MANE Select); coding-DNA position 1853, C replaced by G.
Protein change: p.Pro618Arg; replaces proline 618 with arginine.
Molecular consequence: missense variant.
Genome position (GRCh38, 1-based): chr1:55,061,546, C>G. VCF-style: chr1-55061546-C-G. GRCh37 (hg19) VCF-style: chr1-55527219-C-G.
Other names: c.1976C>G, p.Pro659Arg (NM_001407240.1); c.1895C>G, p.Pro632Arg (NM_001407241.1); c.1856C>G, p.Pro619Arg (NM_001407242.1); c.1796C>G, p.Pro599Arg (NM_001407243.1); c.1679C>G, p.Pro560Arg (NM_001407244.1); c.1661C>G, p.Pro554Arg (NM_001407245.1); c.1478C>G, p.Pro493Arg (NM_001407246.1); c.1352C>G, p.Pro451Arg (NM_001407247.1); short protein forms P618R, P659R, P451R, P632R, P493R, P599R, P619R, P554R.
Identifiers: ClinVar variation 921183 (VCV000921183.5), dbSNP rs1324548567, ClinGen allele CA340480511.

ClinVar aggregate classification (germline): Uncertain significance (1 of 4 stars; one submission).

Conditions:
Familial hypercholesterolemia. Also called: Familial hypercholesterolaemia. Identifiers: MedGen C0020445, MONDO:0005439.

gnomAD v4.1: 3 of 1,597,222 alleles (0.00019%); highest among the groups gnomAD compares: Non-Finnish European, 0.00017%; no homozygotes.

Submission:

Color Diagnostics, LLC DBA Color Health
Classification: Uncertain significance for Familial hypercholesterolemia. Last evaluated: 2024-03-06. Review status: criteria provided, single submitter. Criteria: ACMG Guidelines, 2015. Collection method: clinical testing. Allele origin: germline.
Comment: This missense variant replaces proline with arginine at codon 618 of the PCSK9 protein. Computational prediction suggests that this variant may not impact protein structure and function (internally defined REVEL score threshold <= 0.5, PMID: 27666373). To our knowledge, functional studies have not been reported for this variant. This variant has not been reported in individuals affected with familial hypercholesterolemia in the literature. This variant has not been identified in the general population by the Genome Aggregation Database (gnomAD). The available evidence is insufficient to determine the role of this variant in disease conclusively. Therefore, this variant is classified as a Variant of Uncertain Significance.